The following is an entry in ClinVar:

NM_004168.4(SDHA):c.24G>C (p.Ser8=)

Gene: SDHA (succinate dehydrogenase complex flavoprotein subunit A; plus strand). Cytogenetic location: 5p15.33.
Variant type: single nucleotide variant.
Coding change: c.24G>C on transcript NM_004168.4 (MANE Select); coding-DNA position 24, G replaced by C.
Protein change: p.Ser8=; no amino-acid change (serine 8 retained).
Molecular consequence: synonymous variant.
Genome position (GRCh38, 1-based): chr5:218,379, G>C. VCF-style: chr5-218379-G-C. GRCh37 (hg19) VCF-style: chr5-218494-G-C.
Other names: c.24G>C, p.Ser8= (NM_001294332.2, NM_001330758.2).
Identifiers: ClinVar variation 417250 (VCV000417250.15), dbSNP rs1060505007, ClinGen allele CA16611815.

ClinVar aggregate classification (germline): Benign/Likely benign. Review status: criteria provided, multiple submitters, no conflicts (2 of 4 stars). 3 submissions from 3 submitters: Benign (1); Likely benign (2). Last evaluated 2026-01-14.

Conditions:
Hereditary cancer-predisposing syndrome. Also called: Neoplastic Syndromes, Hereditary; Hereditary Cancer Syndrome; Tumor predisposition; Hereditary neoplastic syndrome. Identifiers: Orphanet 140162, MedGen C0027672, MeSH D009386, MONDO:0015356.
Mitochondrial complex II deficiency, nuclear type 1. Also called: SUCCINATE CoQ REDUCTASE DEFICIENCY. Identifiers: Orphanet 3208, MedGen C5700310, MONDO:0100294, OMIM 252011.
Pheochromocytoma/paraganglioma syndrome 5. Also called: SDHA-Related Hereditary Paraganglioma-Pheochromocytoma Syndrome; Paragangliomas 5. Identifiers: Orphanet 29072, MedGen C3279992, MONDO:0013602, OMIM 614165.

Allele frequency attached by ClinVar (database versions not stated): gnomAD exomes below 0.00001.
gnomAD v4.1: 2 of 1,455,340 alleles (0.00014%); highest among the groups gnomAD compares: Admixed American, 0.005%; no homozygotes.

Submissions (3):

Labcorp Genetics (formerly Invitae), Labcorp
Classification: Likely benign for Pheochromocytoma/paraganglioma syndrome 5; Mitochondrial complex II deficiency, nuclear type 1. Last evaluated: 2026-01-14. Review status: criteria provided, single submitter. Criteria: Invitae Variant Classification Sherloc (09022015). Collection method: clinical testing. Allele origin: germline.

Myriad Genetics, Inc.
Classification: Benign for Pheochromocytoma/paraganglioma syndrome 5. Last evaluated: 2025-02-28. Review status: criteria provided, single submitter. Criteria: Myriad Autosomal Dominant, Autosomal Recessive and X-Linked Classification Criteria (2023). Collection method: clinical testing. Allele origin: unknown.
Comment: This variant is considered benign. This variant is a silent/synonymous amino acid change and it is not expected to impact splicing.

Ambry Genetics
Classification: Likely benign for Hereditary cancer-predisposing syndrome. Last evaluated: 2016-08-02. Review status: criteria provided, single submitter. Criteria: Ambry Variant Classification Scheme 2023. Collection method: clinical testing. Allele origin: germline.